The following is an entry in ClinVar:

ClinVar aggregate classification (germline): Pathogenic (1 of 4 stars; one submission).

Conditions:
Methylcobalamin deficiency type cblG (HMAG). Also called: Functional methionine synthase deficiency type cblG; HOMOCYSTINURIA-MEGALOBLASTIC ANEMIA DUE TO DEFECT IN COBALAMIN METABOLISM, cblG COMPLEMENTATION TYPE; HOMOCYSTINURIA-MEGALOBLASTIC ANEMIA, cblG TYPE; HOMOCYSTINURIA-MEGALOBLASTIC ANEMIA, cblG COMPLEMENTATION TYPE. Identifiers: Orphanet 2170, Orphanet 622, MedGen C1855128, MONDO:0009609, OMIM 250940.

Allele frequency attached by ClinVar (database versions not stated): gnomAD exomes below 0.00001; ExAC 0.00002.

Submission:

Labcorp Genetics (formerly Invitae), Labcorp
Classification: Pathogenic for Methylcobalamin deficiency type cblG. Last evaluated: 2023-11-15. Review status: criteria provided, single submitter. Criteria: Invitae Variant Classification Sherloc (09022015). Collection method: clinical testing. Allele origin: germline.
Comment: This sequence change creates a premature translational stop signal (p.Lys216Asnfs*13) in the MTR gene. It is expected to result in an absent or disrupted protein product. Loss-of-function variants in MTR are known to be pathogenic (PMID: 9683607, 12068375). This variant is present in population databases (rs781320871, gnomAD 0.0009%). This variant has not been reported in the literature in individuals affected with MTR-related conditions. For these reasons, this variant has been classified as Pathogenic.

Literature cited by the submitters: PubMed 9683607; PubMed 12068375.

NM_000254.3(MTR):c.648_652del (p.Lys216fs)

Gene: MTR (5-methyltetrahydrofolate-homocysteine methyltransferase; plus strand). Cytogenetic location: 1q43.
Variant type: Deletion.
Coding change: c.648_652del on transcript NM_000254.3 (MANE Select); coding-DNA positions 648 to 652, 5 bases deleted (ATATG; older notation c.648_652delATATG).
Protein change: p.Lys216fs; shifts the reading frame from lysine 216.
Molecular consequence: frameshift variant. On other transcripts: 5 prime UTR variant (1).
Genome position (GRCh38, 1-based): chr1:236,815,642-236,815,646, ATATG deleted. VCF-style (leftmost placement, unchanged base first): chr1-236815641-AATATG-A. GRCh37 (hg19) VCF-style: chr1-236978941-AATATG-A.
Other names: c.648_652del, p.Lys216fs (NM_001291939.1, NM_001410942.1); c.-461_-457del (NM_001291940.2); short protein forms K216fs.
Identifiers: ClinVar variation 2765543 (VCV002765543.3), dbSNP rs781320871, ClinGen allele CA1473809.